The following is an entry in ClinVar:

NC_000022.11:g.40345571T>G

Gene: ADSL (adenylosuccinate lyase; plus strand). Cytogenetic location: 22q13.1.
Variant type: single nucleotide variant.
Genome position: GRCh38 VCF-style: chr22-40345571-T-G. GRCh37 (hg19) VCF-style: chr22-40741575-T-G.
Identifiers: ClinVar variation 2014233 (VCV002014233.5), dbSNP rs2518073691, ClinGen allele CA1025766720.

ClinVar aggregate classification (germline): Uncertain significance (1 of 4 stars; one submission).

Conditions:
Adenylosuccinate lyase deficiency (ADSLD). Also called: ADSL DEFICIENCY. Identifiers: Orphanet 46, MedGen C0268126, MONDO:0007068, OMIM 103050.

Submission:

Labcorp Genetics (formerly Invitae), Labcorp
Classification: Uncertain significance for Adenylosuccinate lyase deficiency. Last evaluated: 2022-11-22. Review status: criteria provided, single submitter. Criteria: Invitae Variant Classification Sherloc (09022015). Collection method: clinical testing. Allele origin: germline.
Comment: This variant occurs in a non-coding region of the ADSL gene. It does not change the encoded amino acid sequence of the ADSL protein. The frequency data for this variant in the population databases is considered unreliable, as metrics indicate insufficient coverage at this position in the gnomAD database. This variant has not been reported in the literature in individuals affected with ADSL-related conditions. Experimental studies and prediction algorithms are not available or were not evaluated, and the functional significance of this variant is currently unknown. In summary, the available evidence is currently insufficient to determine the role of this variant in disease. Therefore, it has been classified as a Variant of Uncertain Significance.